The following is an entry in ClinVar:

ClinVar aggregate classification (germline): Uncertain significance (1 of 4 stars; one submission).

Conditions:
Cardiovascular phenotype. Identifiers: MedGen CN230736.

Submission:

Ambry Genetics
Classification: Uncertain significance for Cardiovascular phenotype. Last evaluated: 2020-08-27. Review status: criteria provided, single submitter. Criteria: Ambry Variant Classification Scheme 2023. Collection method: clinical testing. Allele origin: germline.
Comment: The c.7105_7106delGTinsTC variant (also known as p.V2369S), located in coding exon 38 of the ANK2 gene, results from an in-frame deletion of GT and insertion of TC at nucleotide positions 7105 to 7106. This exon is expressed solely in brain (Mohler PJ et al. Circulation. 2007;115(4):432-41). This results in the substitution of the valine residue for a serine residue at codon 2369, an amino acid with dissimilar properties. This amino acid position is poorly conserved in available vertebrate species. In addition, this alteration is predicted to be neutral by in silico analysis (Choi Y et al. PLoS ONE. 2012; 7(10):e46688). Since supporting evidence is limited at this time, the clinical significance of this alteration remains unclear.

NM_001148.6(ANK2):c.7105_7106delinsTC (p.Val2369Ser)

Genes: ANK2 (ankyrin 2; plus strand), LOC126807137 (CDK7 strongly-dependent group 2 enhancer GRCh37_chr4:114276560-114277759; plus strand). Cytogenetic location: 4q26.
Variant type: Indel.
Coding change: c.7105_7106delinsTC on transcript NM_001148.6 (MANE Select); coding-DNA positions 7105 to 7106, GT replaced by TC.
Protein change: p.Val2369Ser; replaces valine 2369 with serine.
Molecular consequence: missense variant. On other transcripts: intron variant (68).
Genome position (GRCh38, 1-based): chr4:113,355,723-113,355,724, GT replaced by TC. VCF-style: chr4-113355723-GT-TC. GRCh37 (hg19) VCF-style: chr4-114276879-GT-TC.
Other names: c.6871_6872delinsTC, p.Val2291Ser (NM_001386142.1); c.3505_3506delinsTC, p.Val1169Ser (NM_001386166.1); c.7246_7247delinsTC, p.Val2416Ser (NM_001386174.1); c.7222_7223delinsTC, p.Val2408Ser (NM_001386175.1); c.4412-5100_4412-5099delinsTC (NM_001386186.2, NM_001386148.2); c.4214-5100_4214-5099delinsTC (NM_001354269.3); c.4292-5100_4292-5099delinsTC (NM_001386187.2); c.4253-5100_4253-5099delinsTC (NM_001386147.1); and 35 more; short protein forms V2408S, V2369S, V2291S, V2416S, V1169S.
Identifiers: ClinVar variation 1757196 (VCV001757196.2), dbSNP rs2505674270, ClinGen allele CA2580071391.